The following is an entry in ClinVar:

NM_032119.4(ADGRV1):c.3149G>C (p.Arg1050Thr)

Gene: ADGRV1 (adhesion G protein-coupled receptor V1; plus strand). Cytogenetic location: 5q14.3.
Variant type: single nucleotide variant.
Coding change: c.3149G>C on transcript NM_032119.4 (MANE Select); coding-DNA position 3149, G replaced by C.
Protein change: p.Arg1050Thr; replaces arginine 1050 with threonine.
Molecular consequence: missense variant. On other transcripts: non-coding transcript variant (1).
Genome position (GRCh38, 1-based): chr5:90,647,624, G>C. VCF-style: chr5-90647624-G-C. GRCh37 (hg19) VCF-style: chr5-89943441-G-C.
Other names: short protein forms R1050T.
Identifiers: ClinVar variation 1492014 (VCV001492014.5), dbSNP rs1767979708, ClinGen allele CA360393515.

ClinVar aggregate classification (germline): Uncertain significance (1 of 4 stars; one submission).

Allele frequency attached by ClinVar (database versions not stated): TOPMed below 0.00001.

Submission:

Labcorp Genetics (formerly Invitae), Labcorp
Classification: Uncertain significance. Last evaluated: 2021-09-24. Review status: criteria provided, single submitter. Criteria: Invitae Variant Classification Sherloc (09022015). Collection method: clinical testing. Allele origin: germline.
Comment: This sequence change replaces arginine with threonine at codon 1050 of the ADGRV1 protein (p.Arg1050Thr). The arginine residue is weakly conserved and there is a moderate physicochemical difference between arginine and threonine. This variant is not present in population databases (ExAC no frequency). This variant has not been reported in the literature in individuals with ADGRV1-related conditions. Algorithms developed to predict the effect of missense changes on protein structure and function (SIFT, PolyPhen-2, Align-GVGD) all suggest that this variant is likely to be tolerated, but these predictions have not been confirmed by published functional studies and their clinical significance is uncertain. In summary, the available evidence is currently insufficient to determine the role of this variant in disease. Therefore, it has been classified as a Variant of Uncertain Significance.